The following is an entry in ClinVar:

NM_014363.6(SACS):c.8447C>G (p.Thr2816Ser)

Gene: SACS (sacsin molecular chaperone; minus strand). Cytogenetic location: 13q12.12.
Variant type: single nucleotide variant.
Coding change: c.8447C>G on transcript NM_014363.6 (MANE Select); coding-DNA position 8447, C replaced by G.
Protein change: p.Thr2816Ser; replaces threonine 2816 with serine.
Molecular consequence: missense variant.
Genome position (GRCh38, 1-based): chr13:23,335,429, G>C on the plus strand (C>G on the coding strand, the complement: SACS is on the minus strand). VCF-style: chr13-23335429-G-C. GRCh37 (hg19) VCF-style: chr13-23909568-G-C.
Other names: p.Thr2816Ser; c.8006C>G, p.Thr2669Ser (NM_001278055.2); c.8474C>G, p.Thr2825Ser (NM_001437336.1); short protein forms T2669S, T2816S, T2825S.
Identifiers: ClinVar variation 4541761 (VCV004541761.1).

ClinVar aggregate classification (germline): Uncertain significance (1 of 4 stars; one submission).

Submission:

Mayo Clinic Laboratories, Mayo Clinic
Classification: Uncertain significance. Last evaluated: 2025-02-15. Review status: criteria provided, single submitter. Criteria: ACMG Guidelines, 2015. Collection method: clinical testing. Allele origin: germline. Observed: 1 variant allele.
Comment: PM2_supporting